The following is an entry in ClinVar:

ClinVar aggregate classification (germline): Likely benign. Review status: criteria provided, single submitter (1 of 4 stars). 2 submissions from 2 submitters: Likely benign (1). 1 of the submissions does not count toward it. Last evaluated 2025-09-10.

Conditions:
Developmental and epileptic encephalopathy, 23 (DEE23). Also called: Epileptic encephalopathy, early infantile, 23. Identifiers: Orphanet 411986, MedGen C4014492, MONDO:0014371, OMIM 615859.
DOCK7-related disorder. Also called: DOCK7-related condition.

Allele frequency attached by ClinVar (database versions not stated): TOPMed 0.00005; ExAC 0.00006; gnomAD 0.00008 and 0.00009; gnomAD exomes 0.00008 and 0.00010.
gnomAD v4.1: 172 of 1,575,122 alleles (0.011%); highest among the groups gnomAD compares: Non-Finnish European, 0.013%; no homozygotes.

Submissions (2):

Labcorp Genetics (formerly Invitae), Labcorp
Classification: Likely benign for Developmental and epileptic encephalopathy, 23. Last evaluated: 2025-09-10. Review status: criteria provided, single submitter. Criteria: Invitae Variant Classification Sherloc (09022015). Collection method: clinical testing. Allele origin: germline.

PreventionGenetics, part of Exact Sciences
Classification: Likely benign for DOCK7-related condition. Last evaluated: 2019-08-30. Review status: no assertion criteria provided. Collection method: clinical testing. Allele origin: germline. Not counted in ClinVar's aggregate classification.
Comment: This variant is classified as likely benign based on ACMG/AMP sequence variant interpretation guidelines (Richards et al. 2015 PMID: 25741868, with internal and published modifications).

NM_001367561.1(DOCK7):c.886-8T>C

Gene: DOCK7 (dedicator of cytokinesis 7; minus strand). Cytogenetic location: 1p31.3.
Variant type: single nucleotide variant.
Coding change: c.886-8T>C on transcript NM_001367561.1 (MANE Select); 8 bases into the intron before coding-DNA position 886, T replaced by C.
Molecular consequence: intron variant.
Genome position (GRCh38, 1-based): chr1:62,634,930, A>G on the plus strand (T>C on the coding strand, the complement: DOCK7 is on the minus strand). VCF-style: chr1-62634930-A-G. GRCh37 (hg19) VCF-style: chr1-63100601-A-G.
Other names: c.886-8T>C (NM_001272001.2, NM_001272000.2, NM_033407.4 and 3 more transcripts).
Identifiers: ClinVar variation 580518 (VCV000580518.13), dbSNP rs772843743, ClinGen allele CA887073.